The following is an entry in ClinVar:

ClinVar aggregate classification (germline): Likely pathogenic (3 of 4 stars; one submission).

Conditions:
Monogenic diabetes. Identifiers: Orphanet 183625, MedGen C3888631, MONDO:0015967.

Submission:

ClinGen Monogenic Diabetes Variant Curation Expert Panel
Classification: Likely pathogenic for Monogenic diabetes. Last evaluated: 2026-02-26. Review status: reviewed by expert panel. Criteria: ClinGen Diabetes ACMG Specifications HNF1A V3.1.0. Collection method: curation. Allele origin: germline. Inheritance: Autosomal dominant inheritance.
Comment: The c.709A>C variant in the HNF1 homeobox A gene, HNF1A, causes an amino acid change of asparagine to histidine at codon 237 (p.(Asn237His)) of NM_000545.8. This variant is located within a conserved region of the DNA binding domain (codons 107-174 and 201-280) of HNF1A, which is defined as critical for the protein’s function by the ClinGen MDEP (PM1_Supporting) and is absent from gnomAD v4.1.0 (PM2_Supporting). Additionally, the c.709A>C variant is predicted to be deleterious by computational evidence, with a REVEL score of 0.816, which is greater than the MDEP VCEP threshold of 0.70 (PP3). This variant also had a one informative meiosis in a single family, thus not meeting the criteria for PP1. Another missense variant at the same residue, c.709A>G p.Asn237Asp, has been classified as pathogenic by the ClinGen MDEP and has a smaller Grantham distance than p.Asn237His (PM5). In summary, c.709A>C meets the criteria to be classified as likely pathogenic for monogenic diabetes. ACMG/AMP criteria applied, as specified by the ClinGen MDEP (specification version 3.1.0, approved 10/10/2025): PM1_Supporting, PM2_supporting, PM5, PP4_Moderate, PP3

NM_000545.8(HNF1A):c.709A>C (p.Asn237His)

Gene: HNF1A (HNF1 homeobox A; plus strand). Cytogenetic location: 12q24.31.
Variant type: single nucleotide variant.
Coding change: c.709A>C on transcript NM_000545.8 (MANE Select); coding-DNA position 709, A replaced by C.
Protein change: p.Asn237His; replaces asparagine 237 with histidine.
Molecular consequence: missense variant.
Genome position (GRCh38, 1-based): chr12:120,993,702, A>C. VCF-style: chr12-120993702-A-C. GRCh37 (hg19) VCF-style: chr12-121431505-A-C.
Other names: NM_001306179.1:c.709A>C; c.709A>C, p.Asn237His (NM_001306179.2); short protein forms N237H.
Identifiers: ClinVar variation 1334143 (VCV001334143.4), dbSNP rs2135839997, ClinGen allele CA386965448.
Genomic context (GRCh38, chr12:120,993,702, plus strand): 5'-GCCTATGAGAGGCAGAAGAACCCTAGCAAGGAGGAGCGAGAGACGCTAGTGGAGGAGTGC[A>C]ATAGGTACAACGGCGGGCGGGAAACAGTGCTGGTTTGGTCTGGGCTGCGGCAAGGCCAGG-3'
Protein context (NP_000536.6, residues 227-247): EERETLVEEC[Asn237His]RAECIQRGVS